The following is an entry in ClinVar:

ClinVar aggregate classification (germline): Uncertain significance (1 of 4 stars; one submission).

Conditions:
Renal carnitine transport defect (CDSP). Also called: Systemic primary carnitine deficiency disease; CARNITINE DEFICIENCY, SYSTEMIC, DUE TO DEFECT IN RENAL REABSORPTION OF CARNITINE; CARNITINE TRANSPORTER, PLASMA-MEMBRANE, DEFICIENCY OF; CARNITINE UPTAKE DEFECT; Primary carnitine deficiency; Systemic primary carnitine deficiency. Identifiers: Orphanet 158, MedGen C0342788, MONDO:0008919, OMIM 212140.

gnomAD v4.1: 3 of 1,614,234 alleles (0.00019%); highest among the groups gnomAD compares: Non-Finnish European, 0.00025%; no homozygotes.

Submission:

Labcorp Genetics (formerly Invitae), Labcorp
Classification: Uncertain significance for Renal carnitine transport defect. Last evaluated: 2024-10-14. Review status: criteria provided, single submitter. Criteria: Invitae Variant Classification Sherloc (09022015). Collection method: clinical testing. Allele origin: germline.
Comment: This sequence change replaces valine, which is neutral and non-polar, with leucine, which is neutral and non-polar, at codon 151 of the SLC22A5 protein (p.Val151Leu). This variant is present in population databases (rs386134193, gnomAD 0.0009%). This variant has not been reported in the literature in individuals affected with SLC22A5-related conditions. Invitae Evidence Modeling of protein sequence and biophysical properties (such as structural, functional, and spatial information, amino acid conservation, physicochemical variation, residue mobility, and thermodynamic stability) indicates that this missense variant is not expected to disrupt SLC22A5 protein function with a negative predictive value of 95%. In summary, the available evidence is currently insufficient to determine the role of this variant in disease. Therefore, it has been classified as a Variant of Uncertain Significance.

NM_003060.4(SLC22A5):c.451G>C (p.Val151Leu)

Gene: SLC22A5 (solute carrier family 22 member 5; plus strand). Cytogenetic location: 5q31.1.
Variant type: single nucleotide variant.
Coding change: c.451G>C on transcript NM_003060.4 (MANE Select); coding-DNA position 451, G replaced by C.
Protein change: p.Val151Leu; replaces valine 151 with leucine.
Molecular consequence: missense variant.
Genome position (GRCh38, 1-based): chr5:132,378,435, G>C. VCF-style: chr5-132378435-G-C. GRCh37 (hg19) VCF-style: chr5-131714127-G-C.
Other names: c.523G>C, p.Val175Leu (NM_001308122.2); short protein forms V151L, V175L.
Identifiers: ClinVar variation 3616075 (VCV003616075.2).
Genomic context (GRCh38, chr5:132,378,435, plus strand): 5'-CAGTGGAACCTGGTGTGTGAGGACGACTGGAAGGCCCCACTCACAATCTCCTTGTTCTTC[G>C]TGGGTGTGCTGTTGGGCTCCTTCATTTCAGGGCAGCTGTCAGACAGGTAAGGTGTCTGTC-3'
Protein context (NP_003051.1, residues 141-161): KAPLTISLFF[Val151Leu]GVLLGSFISG